The following is an entry in ClinVar:

NM_001244008.2(KIF1A):c.5015G>A (p.Arg1672Gln)

Gene: KIF1A (kinesin family member 1A; minus strand). Cytogenetic location: 2q37.3.
Variant type: single nucleotide variant.
Coding change: c.5015G>A on transcript NM_001244008.2 (MANE Select); coding-DNA position 5015, G replaced by A.
Protein change: p.Arg1672Gln; replaces arginine 1672 with glutamine.
Molecular consequence: missense variant.
Genome position (GRCh38, 1-based): chr2:240,719,780, C>T on the plus strand (G>A on the coding strand, the complement: KIF1A is on the minus strand). VCF-style: chr2-240719780-C-T. GRCh37 (hg19) VCF-style: chr2-241659197-C-T.
Other names: p.Arg1571Gln; c.4739G>A, p.Arg1580Gln (NM_001320705.2, NM_001379649.1); c.4766G>A, p.Arg1589Gln (NM_001330289.2); c.4814G>A, p.Arg1605Gln (NM_001330290.2, NM_001379648.1); c.5090G>A, p.Arg1697Gln (NM_001379631.1); c.4991G>A, p.Arg1664Gln (NM_001379632.1); c.4988G>A, p.Arg1663Gln (NM_001379633.1, NM_001379645.1); c.4841G>A, p.Arg1614Gln (NM_001379634.1); and 8 more; short protein forms R1571Q, R1672Q, R1605Q, R1589Q, R1580Q, R1570Q, R1579Q, R1588Q.
Identifiers: ClinVar variation 498890 (VCV000498890.22), dbSNP rs761974755, ClinGen allele CA2207229.

ClinVar aggregate classification (germline): Conflicting classifications of pathogenicity. Review status: criteria provided, conflicting classifications (1 of 4 stars). 8 submissions from 8 submitters: Uncertain significance (6); Likely benign (1). 1 of the submissions does not count toward it. Last evaluated 2026-04-21.

Conditions:
KIF1A-related disorder. Also called: KIF1A-related disorders; KIF1A-related condition.
Inborn genetic diseases. Identifiers: MedGen C0950123, MeSH D030342.
Neuropathy, hereditary sensory, type 2C. Also called: KIF1A-Related HSAN2 (HSAN2C); Hereditary sensory and autonomic neuropathy type IIC. Identifiers: Orphanet 970, MedGen C3280168, MONDO:0013634, OMIM 614213.
Intellectual disability, autosomal dominant 9 (NESCAVS). Also called: KIF1A-Related Neurodevelopmental Disorder; NESCAV SYNDROME. Identifiers: Orphanet 662367, MedGen C5393830, MONDO:0013656, OMIM 614255.
Hereditary spastic paraplegia 30. Identifiers: Orphanet 101010, MedGen C5235139, MONDO:0012476.

Allele frequency attached by ClinVar (database versions not stated): gnomAD 0.00002; TOPMed 0.00005; ExAC 0.00007; gnomAD exomes 0.00009.
gnomAD v4.1: 77 of 1,582,768 alleles (0.0049%); highest among the groups gnomAD compares: East Asian, 0.018%; no homozygotes.

Submissions (8):

PreventionGenetics, part of Exact Sciences
Classification: Uncertain significance for KIF1A-related condition. Last evaluated: 2026-04-21. Review status: criteria provided, single submitter. Criteria: ACMG Guidelines, 2015. Collection method: clinical testing. Allele origin: germline.
Comment: The KIF1A c.5015G>A variant is predicted to result in the amino acid substitution p.Arg1672Gln. This variant has been reported in the de novo state in an individual with autism spectrum disorder (Table S2, Chen et al. 2022. PubMed ID: 36320054). This variant is reported in 0.018% of alleles in individuals of Latino descent in gnomAD. At this time, the clinical significance of this variant is uncertain due to the absence of conclusive functional and genetic evidence.

Labcorp Genetics (formerly Invitae), Labcorp
Classification: Likely benign for Hereditary spastic paraplegia 30; Neuropathy, hereditary sensory, type 2C; Intellectual disability, autosomal dominant 9. Last evaluated: 2025-12-03. Review status: criteria provided, single submitter. Criteria: Invitae Variant Classification Sherloc (09022015). Collection method: clinical testing. Allele origin: germline.

Blueprint Genetics
Classification: Uncertain significance. Last evaluated: 2024-10-04. Review status: criteria provided, single submitter. Criteria: ACMG Guidelines, 2015. Collection method: clinical testing. Allele origin: germline.

Mayo Clinic Laboratories, Mayo Clinic
Classification: Uncertain significance. Last evaluated: 2021-10-19. Review status: criteria provided, single submitter. Criteria: ACMG Guidelines, 2015. Collection method: clinical testing. Allele origin: germline.

Athena Diagnostics
Classification: Uncertain significance. Last evaluated: 2021-01-15. Review status: criteria provided, single submitter. Criteria: Athena Diagnostics criteria. Collection method: clinical testing. Allele origin: unknown.

Ambry Genetics
Classification: Uncertain significance for Inborn genetic diseases. Last evaluated: 2020-09-09. Review status: criteria provided, single submitter. Criteria: Ambry Variant Classification Scheme 2023. Collection method: clinical testing. Allele origin: germline.
Comment: The p.R1672Q variant (also known as c.5015G>A), located in coding exon 45 of the KIF1A gene, results from a G to A substitution at nucleotide position 5015. The arginine at codon 1672 is replaced by glutamine, an amino acid with highly similar properties. This amino acid position is highly conserved in available vertebrate species. In addition, this alteration is predicted to be tolerated by in silico analysis. Since supporting evidence is limited at this time, the clinical significance of this alteration remains unclear.

Eurofins Ntd Llc (ga)
Classification: Uncertain significance. Last evaluated: 2016-12-16. Review status: criteria provided, single submitter. Criteria: EGL Classification Definitions 2015. Collection method: clinical testing. Allele origin: germline. Observed: 1 variant allele, 1 heterozygote.

Genetics and Genomic Medicine Centre, NeuroGen Healthcare, NeuroGen Healthcare
Classification: Uncertain significance. Last evaluated: 2021-06-02. Review status: no assertion criteria provided. Collection method: clinical testing. Allele origin: unknown. Affected: yes. Not counted in ClinVar's aggregate classification.